The following is an entry in ClinVar:

NM_001267550.2(TTN):c.3523G>A (p.Ala1175Thr)

Gene: TTN (titin; minus strand). Cytogenetic location: 2q31.2.
Variant type: single nucleotide variant.
Coding change: c.3523G>A on transcript NM_001267550.2 (MANE Select); coding-DNA position 3523, G replaced by A.
Protein change: p.Ala1175Thr; replaces alanine 1175 with threonine.
Molecular consequence: missense variant.
Genome position (GRCh38, 1-based): chr2:178,781,121, C>T on the plus strand (G>A on the coding strand, the complement: TTN is on the minus strand). VCF-style: chr2-178781121-C-T. GRCh37 (hg19) VCF-style: chr2-179645848-C-T.
Other names: c.3523G>A, p.Ala1175Thr (NM_133378.4, NM_001256850.1, NM_133379.5); c.3385G>A, p.Ala1129Thr (NM_003319.4, NM_133432.3, NM_133437.4); short protein forms A1175T, A1129T.
Identifiers: ClinVar variation 46962 (VCV000046962.24), dbSNP rs397517570, ClinGen allele CA139643.
Genomic context (GRCh38, chr2:178,781,121, plus strand): 5'-ACTGCTATCTCCTTGTATTTCAGTTCTTATCATGCACATAGAAACTGGAGTTGCACTTAC[C>T]TTCTTCAAGCAAGGAAGCAGATGCAGAAGTTTCTCCATGCTTATTGCGAACAACAATAGT-3'
Protein context (NP_001254479.2, residues 1165-1185): TSASASLLEE[Ala1175Thr]DYELLMKSQQ

ClinVar aggregate classification (germline): Conflicting classifications of pathogenicity. Review status: criteria provided, conflicting classifications (1 of 4 stars). 5 submissions from 5 submitters: Uncertain significance (3); Likely benign (2). Last evaluated 2026-04-28.

Conditions:
TTN-related disorder. Also called: TTN-related condition; TTN-related disease; TTN-related disorders.
Dilated cardiomyopathy 1G (CMD1G). Identifiers: Orphanet 154, MedGen C1858763, MONDO:0011400, OMIM 604145.
Autosomal recessive limb-girdle muscular dystrophy type 2J (LGMDR10). Also called: Limb-girdle muscular dystrophy, type 2J; MUSCULAR DYSTROPHY, LIMB-GIRDLE, AUTOSOMAL RECESSIVE 10. Identifiers: Orphanet 140922, MedGen C1837342, MONDO:0012127, OMIM 608807.

Allele frequency attached by ClinVar (database versions not stated): gnomAD below 0.00001 and 0.00003; gnomAD exomes 0.00008 and 0.00015; ExAC 0.00017; 1000 Genomes Project 0.00040; 1000 Genomes Project 30x 0.00047.
gnomAD v4.1: 131 of 1,613,912 alleles (0.0081%); highest among the groups gnomAD compares: South Asian, 0.11%; 1 homozygote.

Submissions (5):

PreventionGenetics, part of Exact Sciences
Classification: Uncertain significance for TTN-related condition. Last evaluated: 2026-04-28. Review status: criteria provided, single submitter. Criteria: ACMG Guidelines, 2015. Collection method: clinical testing. Allele origin: germline.
Comment: The TTN c.3523G>A variant is predicted to result in the amino acid substitution p.Ala1175Thr. To our knowledge, this variant has not been reported in the literature. This variant is reported in 0.11% of alleles in individuals of South Asian descent in gnomAD. Although we suspect that this variant may be benign, at this time, the clinical significance of this variant is uncertain due to the absence of conclusive functional and genetic evidence.

CeGaT Center for Human Genetics Tuebingen
Classification: Likely benign. Last evaluated: 2026-01-01. Review status: criteria provided, single submitter. Criteria: CeGaT Center For Human Genetics Tuebingen Variant Classification Criteria Version 2. Collection method: clinical testing. Allele origin: germline. Affected: yes. Observed: 1 variant allele.
Comment: TTN: BP4, BS2

Labcorp Genetics (formerly Invitae), Labcorp
Classification: Likely benign for Dilated cardiomyopathy 1G; Autosomal recessive limb-girdle muscular dystrophy type 2J. Last evaluated: 2025-12-13. Review status: criteria provided, single submitter. Criteria: Invitae Variant Classification Sherloc (09022015). Collection method: clinical testing. Allele origin: germline.

Eurofins Ntd Llc (ga)
Classification: Uncertain significance. Last evaluated: 2017-01-31. Review status: criteria provided, single submitter. Criteria: EGL Classification Definitions 2015. Collection method: clinical testing. Allele origin: germline. Observed: 2 variant alleles, 2 heterozygotes.

Laboratory for Molecular Medicine, Mass General Brigham Personalized Medicine
Classification: Uncertain significance. Last evaluated: 2012-08-21. Review status: criteria provided, single submitter. Criteria: LMM Criteria. Collection method: clinical testing. Allele origin: germline. Observed: 1 variant allele.
Comment: The Ala1175Thr variant in TTN has not been previously identified in our laborato ry or in the literature. Computational analyses (biochemical amino acid properti es, conservation, AlignGVGD, PolyPhen2, and SIFT) do not provide strong support for or against an impact to the protein. In addition, this variant is located in the last three bases of the exon, which is part of the 5? splice region. Comput ational tools do not suggest an impact to splicing, though this information is n ot predictive enough to rule out pathogenicity. Additional information is needed to fully assess the clinical significance of the Ala1175Thr variant.